The following is an entry in ClinVar:

NM_001605.3(AARS1):c.2452A>G (p.Thr818Ala)

Gene: AARS1 (alanyl-tRNA synthetase 1; minus strand). Cytogenetic location: 16q22.1.
Variant type: single nucleotide variant.
Coding change: c.2452A>G on transcript NM_001605.3 (MANE Select); coding-DNA position 2452, A replaced by G.
Protein change: p.Thr818Ala; replaces threonine 818 with alanine.
Molecular consequence: missense variant.
Genome position (GRCh38, 1-based): chr16:70,253,987, T>C on the plus strand (A>G on the coding strand, the complement: AARS1 is on the minus strand). VCF-style: chr16-70253987-T-C. GRCh37 (hg19) VCF-style: chr16-70287890-T-C.
Other names: short protein forms T818A.
Identifiers: ClinVar variation 576231 (VCV000576231.8), dbSNP rs1567601050, ClinGen allele CA396555387.

ClinVar aggregate classification (germline): Uncertain significance (1 of 4 stars; one submission).

Conditions:
Charcot-Marie-Tooth disease type 2. Also called: Charcot-Marie-Tooth type 2. Identifiers: Orphanet 64746, MedGen C0270914, MONDO:0018993.

Submission:

Labcorp Genetics (formerly Invitae), Labcorp
Classification: Uncertain significance for Charcot-Marie-Tooth disease type 2. Last evaluated: 2018-05-22. Review status: criteria provided, single submitter. Criteria: Invitae Variant Classification Sherloc (09022015). Collection method: clinical testing. Allele origin: germline.
Comment: This variant is not present in population databases (ExAC no frequency). This variant has not been reported in the literature in individuals with AARS-related disease. Algorithms developed to predict the effect of missense changes on protein structure and function (SIFT, PolyPhen-2, Align-GVGD) all suggest that this variant is likely to be tolerated, but these predictions have not been confirmed by published functional studies and their clinical significance is uncertain. In summary, the available evidence is currently insufficient to determine the role of this variant in disease. Therefore, it has been classified as a Variant of Uncertain Significance. This sequence change replaces threonine with alanine at codon 818 of the AARS protein (p.Thr818Ala). The threonine residue is weakly conserved and there is a small physicochemical difference between threonine and alanine.